The following is an entry in ClinVar:

ClinVar aggregate classification (germline): Likely pathogenic. Review status: reviewed by expert panel (3 of 4 stars). 3 submissions from 3 submitters: Likely pathogenic (1). 2 of the submissions do not count toward it. Last evaluated 2023-11-14.

Conditions:
Severe combined immunodeficiency due to DCLRE1C deficiency (RS-SCID). Also called: SCID, AUTOSOMAL RECESSIVE, T CELL-NEGATIVE, B CELL-NEGATIVE, NK CELL-POSITIVE, WITH SENSITIVITY TO IONIZING RADIATION. Identifiers: Orphanet 275, MedGen C1865371, MONDO:0011225, OMIM 602450.
Severe combined immunodeficiency disease. Also called: Severe combined immunodeficiency; Severe Combined Immune Deficiency. Identifiers: Orphanet 183660, MedGen C0085110, MeSH D016511, MONDO:0015974, HP:0004430. Inheritance: X-Linked or Autosomal recessive.

Allele frequency attached by ClinVar (database versions not stated): gnomAD exomes below 0.00001.
gnomAD v4.1: 2 of 1,614,124 alleles (0.00012%); highest among the groups gnomAD compares: Non-Finnish European, 0.00017%; no homozygotes.

Submissions (3):

ClinGen Severe Combined Immunodeficiency Variant Curation Expert Panel, ClinGen
Classification: Likely pathogenic for Severe combined immunodeficiency due to DCLRE1C deficiency. Last evaluated: 2023-11-14. Review status: reviewed by expert panel. Criteria: ClinGen SCID ACMG Specifications DCLRE1C V1.0.0. Collection method: curation. Allele origin: germline. Inheritance: Autosomal recessive inheritance.
Comment: The NM_001033855.3:c.406G>A variant in DCLRE1C is a missense variant predicted to cause substitution of aspartic acid by asparagine at amino acid 136 (p.Asp136Asn). This variant is absent from population databases (gnomAD v2.2.1) (PM2_Supporting) and has been observed in two probands with SCID that carried a co-occurring variant in trans. The first proband has a clinical diagnosis of severe combined immunodeficiency (SCID) (0.5p) with a T-B-NK+ immunophenotype (0.5p) who was tested using a large 407 gene immunodeficiency panel (0.5p) and carried a co-occurring variant (c.629del p.Tyr210Leufs*14) in trans (Invitae, PP4 1.5p). The second proband is patient ART007 reported in PMID: 36566626, who has a clinical diagnosis of Artemis-related SCID (0.5p) that was corrected by DLCRE1C lentiviral gene therapy (1p) and carried a co-occurring variant (Deletion of exons 1-5) in trans (PP4 1.5p). For both patients, the co-occurring variant was confirmed in trans and would be classified as Likely Pathogenic or Pathogenic (PM3_Strong, 2p (1p per proband)). An in vitro study reported that this variant exhibited < 25% of wildtype V(D)J recombinase activity as well as undetectable endonucleolytic cleavage activity in an in vitro cleavage assay (PMID: 15071507, PS3_Moderate). In summary, this variant is classified as Likely Pathogenic for autosomal recessive SCID based on the ACMG criteria applied, PP4, PM3_Strong, PS3_Moderate, PM2_Supporting, as specified by the ClinGen SCID VCEP (VCEP specifications version 1).

Labcorp Genetics (formerly Invitae), Labcorp
Classification: Uncertain significance for Athabaskan severe combined immunodeficiency. Last evaluated: 2022-08-23. Review status: criteria provided, single submitter. Criteria: Invitae Variant Classification Sherloc (09022015). Collection method: clinical testing. Allele origin: germline. Not counted in ClinVar's aggregate classification.
Comment: This sequence change replaces aspartic acid, which is acidic and polar, with asparagine, which is neutral and polar, at codon 136 of the DCLRE1C protein (p.Asp136Asn). This variant is not present in population databases (gnomAD no frequency). This missense change has been observed in individual(s) with severe combined immunodeficiency (Invitae). In at least one individual the data is consistent with being in trans (on the opposite chromosome) from a pathogenic variant. ClinVar contains an entry for this variant (Variation ID: 986350). Algorithms developed to predict the effect of missense changes on protein structure and function are either unavailable or do not agree on the potential impact of this missense change (SIFT: "Tolerated"; PolyPhen-2: "Probably Damaging"; Align-GVGD: "Class C0"). In summary, the available evidence is currently insufficient to determine the role of this variant in disease. Therefore, it has been classified as a Variant of Uncertain Significance.

Rady Children's Institute for Genomic Medicine, Rady Children's Hospital San Diego
Classification: Likely pathogenic for SCID. Last evaluated: 2019-07-10. Review status: criteria provided, single submitter. Criteria: ACMG Guidelines, 2015. Collection method: clinical testing. Allele origin: germline. Affected: yes. Not counted in ClinVar's aggregate classification.
Comment: Although this variant has not been reported in an affected patient in the literature, the p.Asp136Asn variant has been mutated in an in vitro and in vivo model. The experiments showed that the Asp136Asn mutatant's ability to support V(D)J recombination was abolished (PMID: 15071507). It is absent from the ExAC and gnomAD population databases and thus is presumed to be rare. The c.406G>A (p.Asp136Asn) variant affects a highly conserved amino acid and is predicted by multiple in silico tools to have a deleterious effect on protein function. Based on the available evidence, the c.406G>A (p.Asp136Asn) variant is classified as Likely Pathogenic.

NM_001033855.3(DCLRE1C):c.406G>A (p.Asp136Asn)

Gene: DCLRE1C (DNA cross-link repair 1C; minus strand). Cytogenetic location: 10p13.
Variant type: single nucleotide variant.
Coding change: c.406G>A on transcript NM_001033855.3 (MANE Select); coding-DNA position 406, G replaced by A.
Protein change: p.Asp136Asn; replaces aspartic acid 136 with asparagine.
Molecular consequence: missense variant. On other transcripts: non-coding transcript variant (4).
Genome position (GRCh38, 1-based): chr10:14,935,521, C>T on the plus strand (G>A on the coding strand, the complement: DCLRE1C is on the minus strand). VCF-style: chr10-14935521-C-T. GRCh37 (hg19) VCF-style: chr10-14977520-C-T.
Other names: NM_001033855.3(DCLRE1C):c.406G>A; p.Asp136Asn; c.46G>A, p.Asp16Asn (NM_001033857.3, NM_001033858.3, NM_001289077.2 and 2 more transcripts); c.61G>A, p.Asp21Asn (NM_001289076.2, NM_001289078.2, NM_001350966.2 and 1 more transcripts); c.406G>A, p.Asp136Asn (NM_001350965.2); short protein forms D136N, D16N, D21N.
Identifiers: ClinVar variation 986350 (VCV000986350.9), dbSNP rs1839765652, ClinGen allele CA376060149.
Genomic context (GRCh38, chr10:14,935,521, plus strand): 5'-ACCTGCCCCCGGAGTGCAGAAGCTCCATTCTAGCAGCTTCTCCTTGCGCCAATCTGAAGT[C>T]TCCTGTGTACAGGACAGTTCCATTATTGCCCTGAAATAAAAACCTGAAAAAGAAATATAT-3'
Protein context (NP_001029027.1, residues 126-146): GNNGTVLYTG[Asp136Asn]FRLAQGEAAR